The following is an entry in ClinVar:

NM_001122681.2(SH3BP2):c.497C>T (p.Pro166Leu)

Gene: SH3BP2 (SH3 domain binding protein 2; plus strand). Cytogenetic location: 4p16.3.
Variant type: single nucleotide variant.
Coding change: c.497C>T on transcript NM_001122681.2 (MANE Select); coding-DNA position 497, C replaced by T.
Protein change: p.Pro166Leu; replaces proline 166 with leucine.
Molecular consequence: missense variant.
Genome position (GRCh38, 1-based): chr4:2,827,298, C>T. VCF-style: chr4-2827298-C-T. GRCh37 (hg19) VCF-style: chr4-2829025-C-T.
Other names: c.581C>T, p.Pro194Leu (NM_001145855.2, LRG_1334t2); c.668C>T, p.Pro223Leu (NM_001145856.2); c.497C>T, p.Pro166Leu (NM_003023.4, LRG_1334t1); short protein forms P166L, P194L, P223L.
Identifiers: ClinVar variation 348576 (VCV000348576.12), dbSNP rs567769591, ClinGen allele CA2819192.

ClinVar aggregate classification (germline): Uncertain significance (1 of 4 stars; one submission).

Conditions:
Fibrous dysplasia of jaw (CRBM). Also called: Cherubism. Identifiers: Orphanet 184, MedGen C0008029, MONDO:0007315, OMIM 118400.

Allele frequency attached by ClinVar (database versions not stated): gnomAD exomes 0.00001 and 0.00002; ExAC 0.00002; TOPMed 0.00002; gnomAD 0.00003; 1000 Genomes Project 30x 0.00016; 1000 Genomes Project 0.00020.

Submission:

Labcorp Genetics (formerly Invitae), Labcorp
Classification: Uncertain significance for Fibrous dysplasia of jaw. Last evaluated: 2025-01-23. Review status: criteria provided, single submitter. Criteria: Invitae Variant Classification Sherloc (09022015). Collection method: clinical testing. Allele origin: germline.
Comment: This sequence change replaces proline, which is neutral and non-polar, with leucine, which is neutral and non-polar, at codon 166 of the SH3BP2 protein (p.Pro166Leu). The frequency data for this variant in the population databases is considered unreliable, as metrics indicate poor data quality at this position in the gnomAD database. This variant has not been reported in the literature in individuals affected with SH3BP2-related conditions. ClinVar contains an entry for this variant (Variation ID: 348576). Invitae Evidence Modeling of protein sequence and biophysical properties (such as structural, functional, and spatial information, amino acid conservation, physicochemical variation, residue mobility, and thermodynamic stability) indicates that this missense variant is not expected to disrupt SH3BP2 protein function with a negative predictive value of 80%. In summary, the available evidence is currently insufficient to determine the role of this variant in disease. Therefore, it has been classified as a Variant of Uncertain Significance.